The following is an entry in ClinVar:

ClinVar aggregate classification (germline): Likely pathogenic (1 of 4 stars; one submission).

Conditions:
Kabuki syndrome 2 (KABUK2). Also called: KDM6A-Related Kabuki Syndrome. Identifiers: Orphanet 2322, MedGen C3275495, MONDO:0010465, OMIM 300867.

Submission:

Labcorp Genetics (formerly Invitae), Labcorp
Classification: Likely pathogenic for Kabuki syndrome 2. Last evaluated: 2023-06-09. Review status: criteria provided, single submitter. Criteria: Invitae Variant Classification Sherloc (09022015). Collection method: clinical testing. Allele origin: germline.
Comment: This variant has not been reported in the literature in individuals affected with KDM6A-related conditions. In summary, the currently available evidence indicates that the variant is pathogenic, but additional data are needed to prove that conclusively. Therefore, this variant has been classified as Likely Pathogenic. Algorithms developed to predict the effect of sequence changes on RNA splicing suggest that this variant may disrupt the consensus splice site. This variant is not present in population databases (gnomAD no frequency). This sequence change affects a donor splice site in intron 3 of the KDM6A gene. It is expected to disrupt RNA splicing. Variants that disrupt the donor or acceptor splice site typically lead to a loss of protein function (PMID: 16199547), and loss-of-function variants in KDM6A are known to be pathogenic (PMID: 23076834, 23913813).

Literature cited by the submitters: PubMed 16199547; PubMed 23076834; PubMed 23913813.

NM_001291415.2(KDM6A):c.334+1G>A

Gene: KDM6A (lysine demethylase 6A; plus strand). Cytogenetic location: Xp11.3.
Variant type: single nucleotide variant.
Coding change: c.334+1G>A on transcript NM_001291415.2 (MANE Select); the canonical splice donor site of the intron after coding-DNA position 334, G replaced by A.
Molecular consequence: splice donor variant.
Genome position (GRCh38, 1-based): chrX:44,961,393, G>A. VCF-style: chrX-44961393-G-A. GRCh37 (hg19) VCF-style: chrX-44820638-G-A.
Other names: c.334+1G>A (NM_001419809.1, NM_001419810.1, NM_001419813.1 and 9 more transcripts); c.-299+1G>A (NM_001291421.2).
Identifiers: ClinVar variation 2703832 (VCV002703832.3), dbSNP rs2147170755, ClinGen allele CA413021212.